The following is an entry in ClinVar:

ClinVar aggregate classification (germline): Uncertain significance (1 of 4 stars; one submission).

Conditions:
Congenital contractural arachnodactyly (CCA). Also called: BEALS SYNDROME; Beals-Hecht syndrome; Arthrogryposis, distal, type 9. Identifiers: Orphanet 115, MedGen C0220668, MONDO:0007363, OMIM 121050.

Allele frequency attached by ClinVar (database versions not stated): gnomAD exomes below 0.00001.
gnomAD v4.1: 2 of 1,613,872 alleles (0.00012%); highest among the groups gnomAD compares: African/African-American, 0.0027%; no homozygotes.

Submission:

Labcorp Genetics (formerly Invitae), Labcorp
Classification: Uncertain significance for Congenital contractural arachnodactyly. Last evaluated: 2020-07-22. Review status: criteria provided, single submitter. Criteria: Invitae Variant Classification Sherloc (09022015). Collection method: clinical testing. Allele origin: germline.
Comment: In summary, the available evidence is currently insufficient to determine the role of this variant in disease. Therefore, it has been classified as a Variant of Uncertain Significance. Algorithms developed to predict the effect of missense changes on protein structure and function are either unavailable or do not agree on the potential impact of this missense change (SIFT: "Deleterious"; PolyPhen-2: "Benign"; Align-GVGD: "Class C0"). This variant has not been reported in the literature in individuals with FBN2-related conditions. This variant is not present in population databases (ExAC no frequency). This sequence change replaces lysine with arginine at codon 882 of the FBN2 protein (p.Lys882Arg). The lysine residue is moderately conserved and there is a small physicochemical difference between lysine and arginine.

NM_001999.4(FBN2):c.2645A>G (p.Lys882Arg)

Gene: FBN2 (fibrillin 2; minus strand). Cytogenetic location: 5q23.3.
Variant type: single nucleotide variant.
Coding change: c.2645A>G on transcript NM_001999.4 (MANE Select); coding-DNA position 2645, A replaced by G.
Protein change: p.Lys882Arg; replaces lysine 882 with arginine.
Molecular consequence: missense variant.
Genome position (GRCh38, 1-based): chr5:128,357,305, T>C on the plus strand (A>G on the coding strand, the complement: FBN2 is on the minus strand). VCF-style: chr5-128357305-T-C. GRCh37 (hg19) VCF-style: chr5-127692997-T-C.
Other names: short protein forms K882R.
Identifiers: ClinVar variation 1017221 (VCV001017221.9), dbSNP rs1168151418, ClinGen allele CA360767342.